The following is an entry in ClinVar:

ClinVar aggregate classification (germline): Uncertain significance (1 of 4 stars; one submission).

Conditions:
Familial thoracic aortic aneurysm and aortic dissection (TAAD). Also called: Thoracic aortic aneurysms and dissections. Identifiers: Orphanet 91387, MedGen C4707243, MONDO:0019625.

Submission:

Ambry Genetics
Classification: Uncertain significance for Familial thoracic aortic aneurysm and aortic dissection. Last evaluated: 2026-01-21. Review status: criteria provided, single submitter. Criteria: Ambry Variant Classification Scheme 2023. Collection method: clinical testing. Allele origin: germline.
Comment: The p.G672E variant (also known as c.2015G>A) is located in coding exon 13 of the NOTCH1 gene. The glycine at codon 672 is replaced by glutamic acid, an amino acid with similar properties. This change occurs in the first base pair of coding exon 13. This amino acid position is conserved. In addition, this alteration is predicted to be deleterious by in silico analysis. Based on the available evidence, the clinical significance of this variant remains unclear.

NM_017617.5(NOTCH1):c.2015G>A (p.Gly672Glu)

Gene: NOTCH1 (notch receptor 1; minus strand). Cytogenetic location: 9q34.3.
Variant type: single nucleotide variant.
Coding change: c.2015G>A on transcript NM_017617.5 (MANE Select); coding-DNA position 2015, G replaced by A.
Protein change: p.Gly672Glu; replaces glycine 672 with glutamic acid.
Molecular consequence: missense variant.
Genome position (GRCh38, 1-based): chr9:136,514,702, C>T on the plus strand (G>A on the coding strand, the complement: NOTCH1 is on the minus strand). VCF-style: chr9-136514702-C-T. GRCh37 (hg19) VCF-style: chr9-139409154-C-T.
Other names: short protein forms G672E.
Identifiers: ClinVar variation 4824868 (VCV004824868.1).